The following is an entry in ClinVar:

NM_000138.5(FBN1):c.6787dup (p.Met2263fs)

Gene: FBN1 (fibrillin 1; minus strand). Cytogenetic location: 15q21.1.
Variant type: Duplication.
Coding change: c.6787dup on transcript NM_000138.5 (MANE Select); coding-DNA position 6787, one base duplicated (A; older notation c.6787dupA).
Protein change: p.Met2263fs; shifts the reading frame from methionine 2263.
Molecular consequence: frameshift variant.
Genome position (GRCh38, 1-based): chr15:48,430,755, T duplicated on the plus strand (A on the coding strand, the reverse complement: FBN1 is on the minus strand); the first of 3 consecutive T bases (chr15:48,430,755-48,430,757); duplicating any one gives the same sequence. VCF-style (leftmost placement, unchanged base first): chr15-48430754-A-AT. GRCh37 (hg19) VCF-style: chr15-48722951-A-AT.
Other names: c.6787dup, p.Met2263fs (NM_001406716.1); short protein forms M2263fs.
Identifiers: ClinVar variation 4886493 (VCV004886493.2).

ClinVar aggregate classification (germline): Likely pathogenic (1 of 4 stars; one submission).

Submission:

Dasa
Classification: Likely pathogenic. Last evaluated: 2025-08-04. Review status: criteria provided, single submitter. Criteria: DASA Assertion Criteria. Collection method: clinical testing. Allele origin: germline.
Comment: NM_000138.5(FBN1):c.6787dup (p.Met2263Asnfs*23) is a frameshift variant in FBN1 predicted to alter the reading frame and introduce a premature termination codon and is predicted to result in an absent or altered protein product. Loss of function is an established disease mechanism for FBN1 (PMID: 17701892; PMID: 30286810; PMID: 21063442). Also, this variant is absent from population databases. Based on the currently available evidence, this variant is classified as likely pathogenic.

Literature cited by the submitters: PubMed 17701892; PubMed 30286810; PubMed 21063442.